The following is an entry in ClinVar:

NM_014049.5(ACAD9):c.1376_1381delinsCCT (p.Lys459_Ser461delinsThrCys)

Gene: ACAD9 (acyl-CoA dehydrogenase family member 9; plus strand). Cytogenetic location: 3q21.3.
Variant type: Indel.
Coding change: c.1376_1381delinsCCT on transcript NM_014049.5 (MANE Select); coding-DNA positions 1376 to 1381, AAGTGA replaced by CCT.
Protein change: p.Lys459_Ser461delinsThrCys.
Molecular consequence: inframe indel. On other transcripts: non-coding transcript variant (1).
Genome position (GRCh38, 1-based): chr3:128,908,990-128,908,995, AAGTGA replaced by CCT. VCF-style: chr3-128908990-AAGTGA-CCT. GRCh37 (hg19) VCF-style: chr3-128627833-AAGTGA-CCT.
Other names: c.1376_1381delAAGTGAinsCCT (NM_014049.4); c.1007_1012delinsCCT, p.Lys336_Ser338delinsThrCys (NM_001410805.1).
Identifiers: ClinVar variation 2500783 (VCV002500783.2), dbSNP rs2529279017, ClinGen allele CA2573050785.

ClinVar aggregate classification (germline): Likely pathogenic (1 of 4 stars; one submission).

Conditions:
Acyl-CoA dehydrogenase 9 deficiency. Also called: Acyl-CoA dehydrogenase family, member 9, deficiency of; MITOCHONDRIAL COMPLEX I DEFICIENCY, NUCLEAR TYPE 20. Identifiers: Orphanet 99901, MedGen C4747517, MONDO:0012624, OMIM 611126.

Submission:

Victorian Clinical Genetics Services, Murdoch Childrens Research Institute
Classification: Likely pathogenic for Acyl-CoA dehydrogenase 9 deficiency. Last evaluated: 2022-02-02. Review status: criteria provided, single submitter. Criteria: ACMG Guidelines, 2015. Collection method: clinical testing. Allele origin: germline. Inheritance: Autosomal recessive inheritance.
Comment: Based on the classification scheme VCGS_Germline_v1.3.4, this variant is classified as Likely pathogenic. Following criteria are met: 0102 - Loss of function is a known mechanism of disease in this gene and is associated with mitochondrial complex I deficiency, nuclear type 20 (MIM#611126). (I) 0106 - This gene is associated with autosomal recessive disease. (I) 0216 - In-frame insertion/deletion in a non-repetitive region that has low conservation. (SP) 0251 - This variant is heterozygous. (I) 0301 - Variant is absent from gnomAD (both v2 and v3). (SP) 0604 - Variant is not located in an established domain, motif, hotspot or informative constraint region. (I) 0705 - No comparable variants have previous evidence for pathogenicity. (I) 0807 - This variant has no previous evidence of pathogenicity. (I) 0905 - No published segregation evidence has been identified for this variant. (I) 1001 - This variant has strong functional evidence supporting abnormal protein function. Western blot analysis on patient fibroblasts shows a specific ACAD9 protein signature with reduced expression of complex I co-assembly factors ECSIT and NDUFAF1 as well as ACAD9 (Brain & Mitochondrial Research MCRI). (SP) 1102 - Strong phenotype match for this individual. (SP) 1201 - Heterozygous variant detected in trans with a second likely pathogenic heterozygous variant (c.1636G>A) in a recessive disease. (I) Legend: (SP) - Supporting pathogenic, (I) - Information, (SB) - Supporting benign